The following is an entry in ClinVar:

NM_014000.3(VCL):c.514G>A (p.Ala172Thr)

Gene: VCL (vinculin; plus strand). Cytogenetic location: 10q22.2.
Variant type: single nucleotide variant.
Coding change: c.514G>A on transcript NM_014000.3 (MANE Select); coding-DNA position 514, G replaced by A.
Protein change: p.Ala172Thr; replaces alanine 172 with threonine.
Molecular consequence: missense variant.
Genome position (GRCh38, 1-based): chr10:74,072,744, G>A. VCF-style: chr10-74072744-G-A. GRCh37 (hg19) VCF-style: chr10-75832502-G-A.
Other names: c.514G>A, p.Ala172Thr (NM_003373.4); short protein forms A172T.
Identifiers: ClinVar variation 5031679 (VCV005031679.1).

ClinVar aggregate classification (germline): Uncertain significance (1 of 4 stars; one submission).

Conditions:
Cardiovascular phenotype. Identifiers: MedGen CN230736.

Submission:

Ambry Genetics
Classification: Uncertain significance for Cardiovascular phenotype. Last evaluated: 2026-07-11. Review status: criteria provided, single submitter. Criteria: Ambry Variant Classification Scheme 2023. Collection method: clinical testing. Allele origin: germline.
Comment: The p.A172T variant (also known as c.514G>A), located in coding exon 5 of the VCL gene, results from a G to A substitution at nucleotide position 514. The alanine at codon 172 is replaced by threonine, an amino acid with similar properties. This amino acid position is conserved. In addition, the in silico prediction for this alteration is inconclusive. Based on the available evidence, the clinical significance of this variant remains unclear.